The following is an entry in ClinVar:

NM_006648.4(WNK2):c.3001C>T (p.Arg1001Cys)

Gene: WNK2 (WNK lysine deficient protein kinase 2; plus strand). Cytogenetic location: 9q22.31.
Variant type: single nucleotide variant.
Coding change: c.3001C>T on transcript NM_006648.4 (MANE Select); coding-DNA position 3001, C replaced by T.
Protein change: p.Arg1001Cys; replaces arginine 1001 with cysteine.
Molecular consequence: missense variant.
Genome position (GRCh38, 1-based): chr9:93,259,549, C>T. VCF-style: chr9-93259549-C-T. GRCh37 (hg19) VCF-style: chr9-96021831-C-T.
Other names: c.3001C>T, p.Arg1001Cys (NM_001282394.3); short protein forms R1001C.
Identifiers: ClinVar variation 3470641 (VCV003470641.1).

ClinVar aggregate classification (germline): Uncertain significance (1 of 4 stars; one submission).

gnomAD v4.1: 21 of 1,593,884 alleles (0.0013%); highest among the groups gnomAD compares: East Asian, 0.0067%; no homozygotes.

Submission:

Ambry Genetics
Classification: Uncertain significance. Last evaluated: 2024-12-07. Review status: criteria provided, single submitter. Criteria: Ambry Variant Classification Scheme 2023. Collection method: clinical testing. Allele origin: germline.
Comment: The p.R1001C variant (also known as c.3001C>T), located in coding exon 11 of the WNK2 gene, results from a C to T substitution at nucleotide position 3001. The arginine at codon 1001 is replaced by cysteine, an amino acid with highly dissimilar properties. This amino acid position is conserved. In addition, this alteration is predicted to be tolerated by in silico analysis. Based on the available evidence, the clinical significance of this variant remains unclear.